The following is an entry in ClinVar:

ClinVar aggregate classification (germline): Uncertain significance (1 of 4 stars; one submission).

Conditions:
Autosomal dominant hypocalcemia 1 (HYPOC1). Also called: HYPOCALCEMIA, FAMILIAL. Identifiers: MedGen C3715128, MONDO:0011013, OMIM 601198.
Familial hypocalciuric hypercalcemia (FHH). Also called: Familial benign hypercalcemia. Identifiers: Orphanet 405, MedGen C1809471, MONDO:0018458.

Allele frequency attached by ClinVar (database versions not stated): gnomAD exomes below 0.00001.
gnomAD v4.1: 1 of 1,614,164 alleles (0.000062%); highest among the groups gnomAD compares: Non-Finnish European, 0.000085%; no homozygotes.

Submission:

Labcorp Genetics (formerly Invitae), Labcorp
Classification: Uncertain significance for Familial hypocalciuric hypercalcemia; Autosomal dominant hypocalcemia 1. Last evaluated: 2023-05-07. Review status: criteria provided, single submitter. Criteria: Invitae Variant Classification Sherloc (09022015). Collection method: clinical testing. Allele origin: germline.
Comment: This sequence change replaces proline, which is neutral and non-polar, with threonine, which is neutral and polar, at codon 393 of the CASR protein (p.Pro393Thr). This variant is not present in population databases (gnomAD no frequency). This variant has not been reported in the literature in individuals affected with CASR-related conditions. ClinVar contains an entry for this variant (Variation ID: 1060054). An algorithm developed to predict the effect of missense changes on protein structure and function (PolyPhen-2) suggests that this variant is likely to be tolerated. In summary, the available evidence is currently insufficient to determine the role of this variant in disease. Therefore, it has been classified as a Variant of Uncertain Significance.

NM_000388.4(CASR):c.1177C>A (p.Pro393Thr)

Gene: CASR (calcium sensing receptor; plus strand). Cytogenetic location: 3q21.1.
Variant type: single nucleotide variant.
Coding change: c.1177C>A on transcript NM_000388.4 (MANE Select); coding-DNA position 1177, C replaced by A.
Protein change: p.Pro393Thr; replaces proline 393 with threonine.
Molecular consequence: missense variant.
Genome position (GRCh38, 1-based): chr3:122,262,212, C>A. VCF-style: chr3-122262212-C-A. GRCh37 (hg19) VCF-style: chr3-121981059-C-A.
Other names: c.1177C>A, p.Pro393Thr (NM_001178065.2); short protein forms P393T.
Identifiers: ClinVar variation 1060054 (VCV001060054.9), dbSNP rs2107633043, ClinGen allele CA354152754.